The following is an entry in ClinVar:

NM_005475.3(SH2B3):c.445C>T (p.Arg149Cys)

Gene: SH2B3 (SH2B adaptor protein 3; plus strand). Cytogenetic location: 12q24.12.
Variant type: single nucleotide variant.
Coding change: c.445C>T on transcript NM_005475.3 (MANE Select); coding-DNA position 445, C replaced by T.
Protein change: p.Arg149Cys; replaces arginine 149 with cysteine.
Molecular consequence: missense variant.
Genome position (GRCh38, 1-based): chr12:111,418,590, C>T. VCF-style: chr12-111418590-C-T. GRCh37 (hg19) VCF-style: chr12-111856394-C-T.
Other names: short protein forms R149C.
Identifiers: ClinVar variation 3440821 (VCV003440821.1).

ClinVar aggregate classification (germline): Uncertain significance (1 of 4 stars; one submission).

Conditions:
Inborn genetic diseases. Identifiers: MedGen C0950123, MeSH D030342.

gnomAD v4.1: 11 of 1,490,046 alleles (0.00074%); highest among the groups gnomAD compares: Non-Finnish European, 0.00098%; no homozygotes.

Submission:

Ambry Genetics
Classification: Uncertain significance for Inborn genetic diseases. Last evaluated: 2024-12-02. Review status: criteria provided, single submitter. Criteria: Ambry Variant Classification Scheme 2023. Collection method: clinical testing. Allele origin: germline.
Comment: The p.R149C variant (also known as c.445C>T), located in coding exon 1 of the SH2B3 gene, results from a C to T substitution at nucleotide position 445. The arginine at codon 149 is replaced by cysteine, an amino acid with highly dissimilar properties. This amino acid position is conserved. In addition, this alteration is predicted to be tolerated by in silico analysis. Based on the available evidence, the clinical significance of this variant remains unclear.